The following is an entry in ClinVar:

NM_020964.3(EPG5):c.2395G>T (p.Val799Phe)

Gene: EPG5 (ectopic P-granules 5 autophagy tethering factor; minus strand). Cytogenetic location: 18q21.1.
Variant type: single nucleotide variant.
Coding change: c.2395G>T on transcript NM_020964.3 (MANE Select); coding-DNA position 2395, G replaced by T.
Protein change: p.Val799Phe; replaces valine 799 with phenylalanine.
Molecular consequence: missense variant.
Genome position (GRCh38, 1-based): chr18:45,930,693, C>A on the plus strand (G>T on the coding strand, the complement: EPG5 is on the minus strand). VCF-style: chr18-45930693-C-A. GRCh37 (hg19) VCF-style: chr18-43510659-C-A.
Other names: short protein forms V799F.
Identifiers: ClinVar variation 863566 (VCV000863566.9), dbSNP rs376598755, ClinGen allele CA299775181.

ClinVar aggregate classification (germline): Uncertain significance. Review status: criteria provided, single submitter (1 of 4 stars). 2 submissions from 2 submitters: Uncertain significance (1). 1 of the submissions does not count toward it. Last evaluated 2021-08-28.

Conditions:
EPG5-related disorder. Also called: EPG5-related condition. Identifiers: MedGen CN381528.
Vici syndrome (VICIS). Identifiers: Orphanet 1493, MedGen C1855772, MONDO:0009452, OMIM 242840.

Allele frequency attached by ClinVar (database versions not stated): TOPMed 0.00002.
gnomAD v4.1: 7 of 1,592,074 alleles (0.00044%); highest among the groups gnomAD compares: African/African-American, 0.0082%; no homozygotes.

Submissions (2):

Labcorp Genetics (formerly Invitae), Labcorp
Classification: Uncertain significance for Vici syndrome. Last evaluated: 2021-08-28. Review status: criteria provided, single submitter. Criteria: Invitae Variant Classification Sherloc (09022015). Collection method: clinical testing. Allele origin: germline.
Comment: This sequence change replaces valine with phenylalanine at codon 799 of the EPG5 protein (p.Val799Phe). The valine residue is weakly conserved and there is a small physicochemical difference between valine and phenylalanine. This variant is not present in population databases (ExAC no frequency). This variant has not been reported in the literature in individuals affected with EPG5-related conditions. Algorithms developed to predict the effect of missense changes on protein structure and function are either unavailable or do not agree on the potential impact of this missense change (SIFT: "Deleterious"; PolyPhen-2: "Probably Damaging"; Align-GVGD: "Class C0"). In summary, the available evidence is currently insufficient to determine the role of this variant in disease. Therefore, it has been classified as a Variant of Uncertain Significance.

PreventionGenetics, part of Exact Sciences
Classification: Uncertain significance for EPG5-related condition. Last evaluated: 2024-02-19. Review status: no assertion criteria provided. Collection method: clinical testing. Allele origin: germline. Not counted in ClinVar's aggregate classification.
Comment: The EPG5 c.2395G>T variant is predicted to result in the amino acid substitution p.Val799Phe. To our knowledge, this variant has not been reported in the literature. This variant is reported in 0.0043% of alleles in individuals of African descent in gnomAD. At this time, the clinical significance of this variant is uncertain due to the absence of conclusive functional and genetic evidence.